The following is an entry in ClinVar:

ClinVar aggregate classification (germline): Uncertain significance (1 of 4 stars; one submission).

gnomAD v4.1: 2 of 1,614,014 alleles (0.00012%); highest among the groups gnomAD compares: Non-Finnish European, 0.00017%; no homozygotes.

Submission:

Women's Health and Genetics/Laboratory Corporation of America, LabCorp
Classification: Uncertain significance. Last evaluated: 2026-04-20. Review status: criteria provided, single submitter. Criteria: LabCorp Variant Classification Summary - May 2015. Collection method: clinical testing. Allele origin: germline.
Comment: Variant summary: FGA c.1222C>A (p.Pro408Thr) results in a non-conservative amino acid change in the encoded protein sequence. Algorithms developed to predict the effect of missense changes on protein structure and function are either unavailable or do not agree on the potential impact of this missense change. The variant was absent in 250808 control chromosomes. The available data on variant occurrences in the general population are insufficient to allow any conclusion about variant significance. To our knowledge, no occurrence of c.1222C>A in individuals affected with FGA-related conditions and no experimental evidence demonstrating its impact on protein function have been reported. No submitters have cited clinical-significance assessments for this variant to ClinVar. Based on the evidence outlined above, the variant was classified as uncertain significance.

NM_021871.4(FGA):c.1222C>A (p.Pro408Thr)

Gene: FGA (fibrinogen alpha chain; minus strand). Cytogenetic location: 4q31.3.
Variant type: single nucleotide variant.
Coding change: c.1222C>A on transcript NM_021871.4 (MANE Select); coding-DNA position 1222, C replaced by A.
Protein change: p.Pro408Thr; replaces proline 408 with threonine.
Molecular consequence: missense variant.
Genome position (GRCh38, 1-based): chr4:154,586,207, G>T on the plus strand (C>A on the coding strand, the complement: FGA is on the minus strand). VCF-style: chr4-154586207-G-T. GRCh37 (hg19) VCF-style: chr4-155507359-G-T.
Other names: c.1222C>A, p.Pro408Thr (NM_000508.5); short protein forms P408T.
Identifiers: ClinVar variation 4848401 (VCV004848401.1).